The following is an entry in ClinVar:

NM_001348768.2(HECW2):c.3596A>G (p.Asn1199Ser)

Gene: HECW2 (HECT, C2 and WW domain containing E3 ubiquitin protein ligase 2; minus strand). Cytogenetic location: 2q32.3.
Variant type: single nucleotide variant.
Coding change: c.3596A>G on transcript NM_001348768.2 (MANE Select); coding-DNA position 3596, A replaced by G.
Protein change: p.Asn1199Ser; replaces asparagine 1199 with serine.
Molecular consequence: missense variant.
Genome position (GRCh38, 1-based): chr2:196,242,138, T>C on the plus strand (A>G on the coding strand, the complement: HECW2 is on the minus strand). VCF-style: chr2-196242138-T-C. GRCh37 (hg19) VCF-style: chr2-197106862-T-C.
Other names: c.2528A>G, p.Asn843Ser (NM_001304840.3); c.3596A>G, p.Asn1199Ser (NM_020760.4); short protein forms N1199S, N843S.
Identifiers: ClinVar variation 3364637 (VCV003364637.2).
Genomic context (GRCh38, chr2:196,242,138, plus strand): 5'-ACTTACTTTAACTTCCCTGGGCCTTGTCCATATCCTTTAGTCTCTAACTTCCTGTAAAAG[T>C]TCCTCAGTTTGGCTTCGAAATCCCGCTTGTAAGGGGCTGGAGCCCGGGCATTGGCACGCT-3'
Protein context (NP_001335697.1, residues 1189-1209): YKRDFEAKLR[Asn1199Ser]FYRKLETKGY

ClinVar aggregate classification (germline): Likely pathogenic. Review status: criteria provided, multiple submitters, no conflicts (2 of 4 stars). 2 submissions from 2 submitters: Likely pathogenic (2). Last evaluated 2024-01-26.

Conditions:
Neurodevelopmental disorder with hypotonia, seizures, and absent language (NDHSAL). Identifiers: MedGen C4310643, MONDO:0014995, OMIM 617268.

Submissions (2):

Fulgent Genetics
Classification: Likely pathogenic for Neurodevelopmental disorder with hypotonia, seizures, and absent language. Last evaluated: 2024-01-26. Review status: criteria provided, single submitter. Criteria: ACMG Guidelines, 2015. Collection method: clinical testing. Allele origin: germline.

GeneDx
Classification: Likely pathogenic. Last evaluated: 2023-11-18. Review status: criteria provided, single submitter. Criteria: GeneDx Variant Classification Process June 2021. Collection method: clinical testing. Allele origin: germline. Affected: yes.
Comment: Not observed at significant frequency in large population cohorts (gnomAD); In silico analysis supports that this missense variant has a deleterious effect on protein structure/function; Has not been previously published as pathogenic or benign to our knowledge